The following is an entry in ClinVar:

NM_000535.7(PMS2):c.*3G>A

Gene: PMS2 (PMS1 homolog 2, mismatch repair system component; minus strand). Cytogenetic location: 7p22.1.
Variant type: single nucleotide variant.
Coding change: c.*3G>A on transcript NM_000535.7 (MANE Select); 3 bases downstream of the stop codon, G replaced by A.
Molecular consequence: 3 prime UTR variant. On other transcripts: non-coding transcript variant (1).
Genome position (GRCh38, 1-based): chr7:5,973,396, C>T on the plus strand (G>A on the coding strand, the complement: PMS2 is on the minus strand). VCF-style: chr7-5973396-C-T. GRCh37 (hg19) VCF-style: chr7-6013027-C-T.
Other names: c.*3G>A (NM_001322003.2, NM_001322004.2, NM_001322005.2 and 10 more transcripts).
Identifiers: ClinVar variation 185828 (VCV000185828.26), dbSNP rs776493195, ClinGen allele CA012074.

ClinVar aggregate classification (germline): Conflicting classifications of pathogenicity. Review status: criteria provided, conflicting classifications (1 of 4 stars). 9 submissions from 9 submitters: Uncertain significance (6); Benign (2); Likely benign (1). Last evaluated 2026-09-14.

Conditions:
PMS2-related disorder. Also called: PMS2-related condition.
Hereditary cancer-predisposing syndrome. Also called: Neoplastic Syndromes, Hereditary; Tumor predisposition; Hereditary neoplastic syndrome; Hereditary Cancer Syndrome. Identifiers: Orphanet 140162, MedGen C0027672, MeSH D009386, MONDO:0015356.
Hereditary breast ovarian cancer syndrome. Also called: Hereditary breast and/or ovarian cancer syndrome; Hereditary breast and ovarian cancer syndrome; Hereditary breast and ovarian cancer; Hereditary breast and ovarian cancer syndrome (HBOC); Breast and ovarian cancer; BRCA1- and BRCA2-Associated Hereditary Breast and Ovarian Cancer. Identifiers: Orphanet 145, MedGen C0677776, MeSH D061325, MONDO:0003582. Disease mechanism: loss of function.
Lynch syndrome 4 (LYNCH4). Also called: Colorectal cancer, hereditary nonpolyposis, type 4; Hereditary non-polyposis colorectal cancer, type 4. Identifiers: Orphanet 144, MedGen C1838333, MONDO:0013699, OMIM 614337. Disease mechanism: loss of function.

Submissions (9):

PreventionGenetics, part of Exact Sciences
Classification: Uncertain significance for PMS2-related condition. Last evaluated: 2026-09-14. Review status: criteria provided, single submitter. Criteria: ACMG Guidelines, 2015. Collection method: clinical testing. Allele origin: germline.
Comment: The PMS2 c.*3G>A variant is located in the 3' untranslated region. This variant has been reported in an individual with breast cancer (Wasson et al. 2025. PubMed ID: 40418377). This variant is reported in 0.0058% of alleles in individuals of African descent in gnomAD and has conflicting interpretations regarding its pathogenicity in ClinVar, ranging from benign to uncertain (Variation ID: 185828). At this time, the clinical significance of this variant is uncertain due to the absence of conclusive functional and genetic evidence.

Color Diagnostics, LLC DBA Color Health
Classification: Uncertain significance for Hereditary cancer-predisposing syndrome. Last evaluated: 2025-11-10. Review status: criteria provided, single submitter. Criteria: ACMG Guidelines, 2015. Collection method: clinical testing. Allele origin: germline.
Comment: This variant is located in the 3' untranslated region of the PMS2 gene. To our knowledge, functional studies have not been reported for this variant. This variant has not been reported in individuals affected with PMS2-related disorders in the literature. This variant has been identified in 30/933688 chromosomes in the general population by the Genome Aggregation Database (gnomAD). The available evidence is insufficient to determine the role of this variant in disease conclusively. Therefore, this variant is classified as a Variant of Uncertain Significance.

Women's Health and Genetics/Laboratory Corporation of America, LabCorp
Classification: Uncertain significance. Last evaluated: 2025-11-05. Review status: criteria provided, single submitter. Criteria: LabCorp Variant Classification Summary - May 2015. Collection method: clinical testing. Allele origin: germline.
Comment: Variant summary: PMS2 c.*3G>A is located in the untranslated mRNA region downstream of the termination codon. Consensus agreement among computation tools predict no significant impact on normal splicing. However, these predictions have yet to be confirmed by functional studies. The variant allele was found at a frequency of 1.5e-05 in 199080 control chromosomes in the gnomAD database, including 1 homozygotes. The available data on variant occurrences in the general population are insufficient to allow any conclusion about variant significance. c.*3G>A has been observed in individual(s) affected with breast cancer, without strong evidence for causality (Wasson_2025). These report(s) do not provide unequivocal conclusions about association of the variant with Hereditary Nonpolyposis Colorectal Cancer. To our knowledge, no experimental evidence demonstrating an impact on protein function has been reported. The following publication has been ascertained in the context of this evaluation (PMID: 40418377). ClinVar contains an entry for this variant (Variation ID: 185828). Based on the evidence outlined above, the variant was classified as uncertain significance.

Quest Diagnostics Nichols Institute San Juan Capistrano
Classification: Uncertain significance. Last evaluated: 2025-10-23. Review status: criteria provided, single submitter. Criteria: Quest Diagnostics criteria. Collection method: clinical testing. Allele origin: unknown.
Comment: The PMS2 c.*3G>A variant has not been reported as a germline variant in individuals with PMS2-related conditions in the published literature. This variant has been identified in the homozygous state in a reportedly clinically healthy individual (Genome Aggregation Database). The frequency of this variant in the general population (Genome Aggregation Database) is uninformative in the assessment of its pathogenicity. Based on the available information, we are unable to determine the clinical significance of this variant.

Center for Genomic Medicine, Rigshospitalet, Copenhagen University Hospital
Classification: Likely benign. Last evaluated: 2025-03-04. Review status: criteria provided, single submitter. Criteria: ACMG Guidelines, 2015. Collection method: clinical testing. Allele origin: germline.

Myriad Genetics, Inc.
Classification: Benign for Lynch syndrome 4. Last evaluated: 2025-02-04. Review status: criteria provided, single submitter. Criteria: Myriad Autosomal Dominant, Autosomal Recessive and X-Linked Classification Criteria (2023). Collection method: clinical testing. Allele origin: unknown.
Comment: This variant is considered benign. This variant occurs in the non-coding 3' untranslated region of the gene, and is not expected to impact protein function.

German Consortium for Hereditary Breast and Ovarian Cancer, University Hospital Cologne
Classification: Uncertain significance for Hereditary breast ovarian cancer syndrome. Last evaluated: 2024-11-19. Review status: criteria provided, single submitter. Criteria: ClinGen PMS2 V1.0.0. Collection method: curation. Allele origin: germline.
Comment: no criteria applicable

Ambry Genetics
Classification: Uncertain significance for Hereditary cancer-predisposing syndrome. Last evaluated: 2017-03-06. Review status: criteria provided, single submitter. Criteria: Ambry Variant Classification Scheme 2023. Collection method: clinical testing. Allele origin: germline.
Comment: The c.*3G>A variant is located in the 3' untranslated region (3&rsquo; UTR) of the PMS2 gene. This variant results from a G to A substitution 3 nucleotides downstream of the last translated codon. Based on nucleotide sequence alignment, this position is poorly conserved in available vertebrate species. Since supporting evidence is limited at this time, the clinical significance of this alteration remains unclear.

GeneDx
Classification: Benign. Last evaluated: 2015-03-03. Review status: criteria provided, single submitter. Criteria: GeneDx Variant Classification Process June 2021. Collection method: clinical testing. Allele origin: germline. Affected: yes.

Literature cited by the submitters: PubMed 40418377 (cited by Women's Health and Genetics/Laboratory Corporation of America, LabCorp); PubMed 32827758 (cited by Quest Diagnostics Nichols Institute San Juan Capistrano).